The following is an entry in ClinVar:

ClinVar aggregate classification (germline): Uncertain significance (1 of 4 stars; one submission).

Conditions:
Inborn genetic diseases. Identifiers: MedGen C0950123, MeSH D030342.

Submission:

Ambry Genetics
Classification: Uncertain significance for Inborn genetic diseases. Last evaluated: 2026-04-20. Review status: criteria provided, single submitter. Criteria: Ambry Variant Classification Scheme 2023. Collection method: clinical testing. Allele origin: germline.
Comment: The p.P960S variant (also known as c.2878C>T), located in coding exon 20 of the LTBP3 gene, results from a C to T substitution at nucleotide position 2878. The proline at codon 960 is replaced by serine, an amino acid with similar properties. This amino acid position is conserved. In addition, this alteration is predicted to be deleterious by in silico analysis. Based on the available evidence, the clinical significance of this variant remains unclear.

NM_001130144.3(LTBP3):c.2878C>T (p.Pro960Ser)

Genes: LTBP3 (latent transforming growth factor beta binding protein 3; minus strand), LOC130006028 (ATAC-STARR-seq lymphoblastoid active region 4987; plus strand). Cytogenetic location: 11q13.1.
Variant type: single nucleotide variant.
Coding change: c.2878C>T on transcript NM_001130144.3 (MANE Select); coding-DNA position 2878, C replaced by T.
Protein change: p.Pro960Ser; replaces proline 960 with serine.
Molecular consequence: missense variant.
Genome position (GRCh38, 1-based): chr11:65,541,141, G>A on the plus strand (C>T on the coding strand, the complement: LTBP3 is on the minus strand). VCF-style: chr11-65541141-G-A. GRCh37 (hg19) VCF-style: chr11-65308612-G-A.
Other names: c.2527C>T, p.Pro843Ser (NM_001164266.1); c.2878C>T, p.Pro960Ser (NM_021070.4); short protein forms P843S, P960S.
Identifiers: ClinVar variation 4859313 (VCV004859313.1).
Genomic context (GRCh38, chr11:65,541,141, plus strand): 5'-ATGAAGAAACTGAAGATCTGGGAAGGGGCCTGCCCGGCTCCTGACCTGAGCTGTAGACTG[G>A]GCAGGGGTAGATTTCGCAGTGGTCGCCCCAGCCGGCCCCCAGAGAGCAGCAGCACTCCTG-3'
Protein context (NP_001123616.1, residues 950-970): WGDHCEIYPC[Pro960Ser]VYSSAEFHSL